The following is an entry in ClinVar:

NM_018089.3(ANKZF1):c.365G>C (p.Gly122Ala)

Gene: ANKZF1 (ankyrin repeat and zinc finger peptidyl tRNA hydrolase 1; plus strand). Cytogenetic location: 2q35.
Variant type: single nucleotide variant.
Coding change: c.365G>C on transcript NM_018089.3 (MANE Select); coding-DNA position 365, G replaced by C.
Protein change: p.Gly122Ala; replaces glycine 122 with alanine.
Molecular consequence: missense variant. On other transcripts: 5 prime UTR variant (1).
Genome position (GRCh38, 1-based): chr2:219,232,490, G>C. VCF-style: chr2-219232490-G-C. GRCh37 (hg19) VCF-style: chr2-220097212-G-C.
Other names: c.365G>C, p.Gly122Ala (NM_001042410.2); c.-266G>C (NM_001282792.2); short protein forms G122A.
Identifiers: ClinVar variation 1519877 (VCV001519877.8), dbSNP rs199508320, ClinGen allele CA2120739.
Genomic context (GRCh38, chr2:219,232,490, plus strand): 5'-TTTGAGGAAAGAACAAAAATGGGGTACCAAACTTGTGTATCTCATATTGTCTGTCTTCAG[G>C]AGATCTTTCCAGCATCTCGGGATCAGAAGACTCAGACTCAGCCAGTGAGGAGGACTTGCA-3'
Protein context (NP_060559.2, residues 112-132): ALDFEKQSST[Gly122Ala]DLSSISGSED

ClinVar aggregate classification (germline): Uncertain significance (1 of 4 stars; one submission).

Allele frequency attached by ClinVar (database versions not stated): gnomAD 0.00001; gnomAD exomes 0.00002 and 0.00004; ExAC 0.00003; TOPMed 0.00004; 1000 Genomes Project 30x 0.00016; 1000 Genomes Project 0.00020.
gnomAD v4.1: 14 of 1,614,110 alleles (0.00087%); highest among the groups gnomAD compares: Admixed American, 0.02%; no homozygotes.

Submission:

Labcorp Genetics (formerly Invitae), Labcorp
Classification: Uncertain significance. Last evaluated: 2024-11-25. Review status: criteria provided, single submitter. Criteria: Invitae Variant Classification Sherloc (09022015). Collection method: clinical testing. Allele origin: germline.
Comment: This sequence change replaces glycine, which is neutral and non-polar, with alanine, which is neutral and non-polar, at codon 122 of the ANKZF1 protein (p.Gly122Ala). This variant is present in population databases (rs199508320, gnomAD 0.03%). This variant has not been reported in the literature in individuals affected with ANKZF1-related conditions. ClinVar contains an entry for this variant (Variation ID: 1519877). An algorithm developed to predict the effect of missense changes on protein structure and function (PolyPhen-2) suggests that this variant is likely to be disruptive. Algorithms developed to predict the effect of sequence changes on RNA splicing suggest that this variant may create or strengthen a splice site. In summary, the available evidence is currently insufficient to determine the role of this variant in disease. Therefore, it has been classified as a Variant of Uncertain Significance.